The following is an entry in ClinVar:

NM_024642.5(GALNT12):c.371+10C>T

Gene: GALNT12 (polypeptide N-acetylgalactosaminyltransferase 12; plus strand). Cytogenetic location: 9q22.33.
Variant type: single nucleotide variant.
Coding change: c.371+10C>T on transcript NM_024642.5 (MANE Select); 10 bases into the intron after coding-DNA position 371, C replaced by T.
Molecular consequence: intron variant.
Genome position (GRCh38, 1-based): chr9:98,808,079, C>T. VCF-style: chr9-98808079-C-T. GRCh37 (hg19) VCF-style: chr9-101570361-C-T.
Identifiers: ClinVar variation 4876204 (VCV004876204.1).
Genomic context (GRCh38, chr9:98,808,079, plus strand): 5'-CAGCGACCGCATCTCACTGCACCGCCGCCTGCCCGAGCGCTGGAACCCGCTGTGAGTGCA[C>T]AGCTCTGGGGAGGAAGCCCGCCCTCAGAGCCCCGGGCCTCAGTTTCTCCATCAGAGCAGT-3'

ClinVar aggregate classification (germline): Likely benign (1 of 4 stars; one submission).

Conditions:
Colorectal cancer, susceptibility to, 1. Also called: COLORECTAL ADENOMA AND CANCER, SUSCEPTIBILITY TO; COLORECTAL CANCER, SUSCEPTIBILITY TO, ON CHROMOSOME 9. Identifiers: MedGen C1837315, MONDO:0012132, OMIM 608812.

Submission:

Myriad Genetics, Inc.
Classification: Likely benign for Colorectal cancer, susceptibility to, 1. Last evaluated: 2026-04-21. Review status: criteria provided, single submitter. Criteria: Myriad Autosomal Dominant, Autosomal Recessive and X-Linked Classification Criteria (2023). Collection method: clinical testing. Allele origin: unknown.
Comment: This variant is considered likely benign. This variant is intronic and is not expected to impact mRNA splicing.